The following is an entry in ClinVar:

ClinVar aggregate classification (germline): Uncertain significance (1 of 4 stars; one submission).

Conditions:
Legius syndrome. Identifiers: Orphanet 137605, MedGen C1969623, MONDO:0012669, OMIM 611431. Disease mechanism: loss of function.

Allele frequency attached by ClinVar (database versions not stated): gnomAD exomes below 0.00001.
gnomAD v4.1: 1 of 1,613,772 alleles (0.000062%); highest among the groups gnomAD compares: Non-Finnish European, 0.000085%; no homozygotes.

Submission:

Labcorp Genetics (formerly Invitae), Labcorp
Classification: Uncertain significance for Legius syndrome. Last evaluated: 2023-08-05. Review status: criteria provided, single submitter. Criteria: Invitae Variant Classification Sherloc (09022015). Collection method: clinical testing. Allele origin: germline.
Comment: This sequence change replaces serine, which is neutral and polar, with phenylalanine, which is neutral and non-polar, at codon 147 of the SPRED1 protein (p.Ser147Phe). This variant is not present in population databases (gnomAD no frequency). This variant has not been reported in the literature in individuals affected with SPRED1-related conditions. ClinVar contains an entry for this variant (Variation ID: 1926886). Advanced modeling of protein sequence and biophysical properties (such as structural, functional, and spatial information, amino acid conservation, physicochemical variation, residue mobility, and thermodynamic stability) performed at Invitae indicates that this missense variant is not expected to disrupt SPRED1 protein function. In summary, the available evidence is currently insufficient to determine the role of this variant in disease. Therefore, it has been classified as a Variant of Uncertain Significance.

NM_152594.3(SPRED1):c.440C>T (p.Ser147Phe)

Gene: SPRED1 (sprouty related EVH1 domain containing 1; plus strand). Cytogenetic location: 15q14.
Variant type: single nucleotide variant.
Coding change: c.440C>T on transcript NM_152594.3 (MANE Select); coding-DNA position 440, C replaced by T.
Protein change: p.Ser147Phe; replaces serine 147 with phenylalanine.
Molecular consequence: missense variant.
Genome position (GRCh38, 1-based): chr15:38,339,753, C>T. VCF-style: chr15-38339753-C-T. GRCh37 (hg19) VCF-style: chr15-38631954-C-T.
Other names: short protein forms S147F.
Identifiers: ClinVar variation 1926886 (VCV001926886.5), dbSNP rs2542723569, ClinGen allele CA391932441.